The following is an entry in ClinVar:

NM_020821.3(VPS13C):c.8057G>T (p.Gly2686Val)

Gene: VPS13C (vacuolar protein sorting 13 homolog C; minus strand). Cytogenetic location: 15q22.2.
Variant type: single nucleotide variant.
Coding change: c.8057G>T on transcript NM_020821.3 (MANE Select); coding-DNA position 8057, G replaced by T.
Protein change: p.Gly2686Val; replaces glycine 2686 with valine.
Molecular consequence: missense variant.
Genome position (GRCh38, 1-based): chr15:61,916,021, C>A on the plus strand (G>T on the coding strand, the complement: VPS13C is on the minus strand). VCF-style: chr15-61916021-C-A. GRCh37 (hg19) VCF-style: chr15-62208220-C-A.
Other names: c.8057G>T, p.Gly2686Val (NM_001018088.3); c.7928G>T, p.Gly2643Val (NM_017684.5, NM_018080.4); short protein forms G2643V, G2686V.
Identifiers: ClinVar variation 2800870 (VCV002800870.3), dbSNP rs750355442, ClinGen allele CA7595088.

ClinVar aggregate classification (germline): Uncertain significance (1 of 4 stars; one submission).

Allele frequency attached by ClinVar (database versions not stated): gnomAD 0.00001.
gnomAD v4.1: 17 of 1,542,210 alleles (0.0011%); highest among the groups gnomAD compares: Non-Finnish European, 0.0015%; no homozygotes.

Submission:

Labcorp Genetics (formerly Invitae), Labcorp
Classification: Uncertain significance. Last evaluated: 2023-01-19. Review status: criteria provided, single submitter. Criteria: Invitae Variant Classification Sherloc (09022015). Collection method: clinical testing. Allele origin: germline.
Comment: In summary, the available evidence is currently insufficient to determine the role of this variant in disease. Therefore, it has been classified as a Variant of Uncertain Significance. Algorithms developed to predict the effect of missense changes on protein structure and function are either unavailable or do not agree on the potential impact of this missense change (SIFT: "Deleterious"; PolyPhen-2: "Possibly Damaging"; Align-GVGD: "Class C0"). This variant has not been reported in the literature in individuals affected with VPS13C-related conditions. This variant is present in population databases (rs750355442, gnomAD 0.001%). This sequence change replaces glycine, which is neutral and non-polar, with valine, which is neutral and non-polar, at codon 2686 of the VPS13C protein (p.Gly2686Val).